The following is an entry in ClinVar:

NM_138691.3(TMC1):c.2003+2T>C

Gene: TMC1 (transmembrane channel like 1; plus strand). Cytogenetic location: 9q21.13.
Variant type: single nucleotide variant.
Coding change: c.2003+2T>C on transcript NM_138691.3 (MANE Select); the canonical splice donor site of the intron after coding-DNA position 2003, T replaced by C.
Molecular consequence: splice donor variant.
Genome position (GRCh38, 1-based): chr9:72,821,083, T>C. VCF-style: chr9-72821083-T-C. GRCh37 (hg19) VCF-style: chr9-75435999-T-C.
Identifiers: ClinVar variation 3383952 (VCV003383952.1).
Genomic context (GRCh38, chr9:72,821,083, plus strand): 5'-ATGCCTGTCTTGTACATGATCGTGTCCCTCCCACCATCTTTTGATTGTGGTCCATTCAGG[T>C]CTCTTGCTTTTGAAATTTGACTCAGGCATCGTGTTCTTTCGGGGGTGGAGGTGGGAATGG-3'

ClinVar aggregate classification (germline): Likely pathogenic (0 of 4 stars; one submission).

Conditions:
Autosomal recessive nonsyndromic hearing loss 7. Also called: DEAFNESS, AUTOSOMAL RECESSIVE 11. Identifiers: Orphanet 90636, MedGen C1832978, MONDO:0010967, OMIM 600974.

Submission:

Wonkam Laboratory, Johns Hopkins University
Classification: Likely pathogenic for Autosomal recessive nonsyndromic hearing loss 7. Last evaluated: 2024-01-06. Review status: no assertion criteria provided. Collection method: research. Allele origin: biparental. Inheritance: Autosomal recessive inheritance. Affected: yes. Observed: 2 variant alleles.
Comment: The variant NM_138691.1 c.2003+2T>C is a null variant that is predicted to dirupt the splicing site of of TMC1 gene (PVS1), Absent from controls (or at extremely low frequency if recessive) in Exome Sequencing Project, 1000 Genomes Project, or Exome Aggregation Consortium (PM2), Cosegregation with disease in multiple affected family members in a gene definitively known to cause the disease (PP1), Patient's phenotype or family history is highly specific for a disease with a single genetic etiology (PP4). Only affected individuals are homozygous for this variant.